The following is an entry in ClinVar:

NM_024721.5(ZFHX4):c.1965_1967del (p.Tyr655_Gln656delinsTer)

Gene: ZFHX4 (zinc finger homeobox 4; plus strand). Cytogenetic location: 8q21.13.
Variant type: Deletion.
Coding change: c.1965_1967del on transcript NM_024721.5 (MANE Select); coding-DNA positions 1965 to 1967, 3 bases deleted (TCA; older notation c.1965_1967delTCA).
Protein change: p.Tyr655_Gln656delinsTer.
Molecular consequence: nonsense.
Genome position (GRCh38, 1-based): chr8:76,706,053-76,706,055, TCA deleted; deleting any 3 consecutive bases within chr8:76,706,052-76,706,055 gives the same sequence; the c. name uses the placement nearest the transcript's 3' end. VCF-style (leftmost placement, unchanged base first): chr8-76706051-TATC-T. GRCh37 (hg19) VCF-style: chr8-77618286-TATC-T.
Other names: c.1965_1967del, p.Tyr655_Gln656delinsTer (NM_001410934.1).
Identifiers: ClinVar variation 3900297 (VCV003900297.1).
Genomic context (GRCh38, chr8:76,706,051, plus strand): 5'-ATGCACTCGAGGAACTCATGCAAAACCCTCAAATGTCCTAAATGTAACTGGCACTACAAA[TATC>T]AGCAGACCCTGGAGGCCCATATGAAGGAGAAACACCCTGAGCCGGGTGGCTCTTGTGTTT-3'

ClinVar aggregate classification (germline): Uncertain significance (1 of 4 stars; one submission).

Submission:

GeneDx
Classification: Uncertain significance. Last evaluated: 2023-06-23. Review status: criteria provided, single submitter. Criteria: GeneDx Variant Classification Process June 2021. Collection method: clinical testing. Allele origin: germline. Affected: yes.
Comment: Not observed at significant frequency in large population cohorts (gnomAD); Nonsense variant predicted to result in protein truncation or nonsense mediated decay in a gene or region of a gene for which loss of function is not a well-established mechanism of disease; Has not been previously published as pathogenic or benign to our knowledge; Variants in candidate genes are classified as variants of uncertain significance in accordance with ACMG guidelines (Richards et al., 2015)